The following is an entry in ClinVar:

NM_001276270.2(MBD4):c.706A>G (p.Thr236Ala)

Gene: MBD4 (methyl-CpG binding domain 4, DNA glycosylase; minus strand). Cytogenetic location: 3q21.3.
Variant type: single nucleotide variant.
Coding change: c.706A>G on transcript NM_001276270.2 (MANE Select); coding-DNA position 706, A replaced by G.
Protein change: p.Thr236Ala; replaces threonine 236 with alanine.
Molecular consequence: missense variant. On other transcripts: intron variant (1).
Genome position (GRCh38, 1-based): chr3:129,436,938, T>C on the plus strand (A>G on the coding strand, the complement: MBD4 is on the minus strand). VCF-style: chr3-129436938-T-C. GRCh37 (hg19) VCF-style: chr3-129155781-T-C.
Other names: c.706A>G, p.Thr236Ala (NM_001276271.2, NM_001276272.2, NM_003925.3); c.247+870A>G (NM_001276273.2); short protein forms T236A.
Identifiers: ClinVar variation 4624381 (VCV004624381.1).

ClinVar aggregate classification (germline): Uncertain significance (1 of 4 stars; one submission).

Conditions:
Inborn genetic diseases. Identifiers: MedGen C0950123, MeSH D030342.

Submission:

Ambry Genetics
Classification: Uncertain significance for Inborn genetic diseases. Last evaluated: 2025-09-25. Review status: criteria provided, single submitter. Criteria: Ambry Variant Classification Scheme 2023. Collection method: clinical testing. Allele origin: germline.
Comment: The p.T236A variant (also known as c.706A>G), located in coding exon 3 of the MBD4 gene, results from an A to G substitution at nucleotide position 706. The threonine at codon 236 is replaced by alanine, an amino acid with similar properties. This amino acid position is conserved. In addition, this alteration is predicted to be tolerated by in silico analysis. Based on the available evidence, the clinical significance of this variant remains unclear.